The following is an entry in ClinVar:

ClinVar aggregate classification (germline): Pathogenic (1 of 4 stars; one submission).

Conditions:
Usher syndrome type 1C. Also called: USHER SYNDROME, TYPE I, ACADIAN VARIETY. Identifiers: Orphanet 231169, Orphanet 886, MedGen C1848604, MONDO:0010171, OMIM 276904.

Submission:

Myriad Genetics, Inc.
Classification: Pathogenic for Usher syndrome type 1C. Last evaluated: 2025-01-11. Review status: criteria provided, single submitter. Criteria: Myriad Autosomal Dominant, Autosomal Recessive and X-Linked Classification Criteria (2023). Collection method: clinical testing. Allele origin: unknown.
Comment: NM_005709.3(USH1C):c.1303delG(E435Kfs*30) is expected to be pathogenic in the context of USH1C-related disorders. This variant is predicted to lead to an abnormal or absent protein product due to the creation of a premature termination codon in USH1C, a gene where loss-of-function variants are known to be pathogenic. Please note: this variant was assessed in the context of healthy population screening.

NM_153676.4(USH1C):c.2203del (p.Glu735fs)

Gene: USH1C (USH1 protein network component harmonin; minus strand). Cytogenetic location: 11p15.1.
Variant type: Deletion.
Coding change: c.2203del on transcript NM_153676.4 (MANE Select); coding-DNA position 2203, one base deleted (G; older notation c.2203delG).
Protein change: p.Glu735fs; shifts the reading frame from glutamic acid 735.
Molecular consequence: frameshift variant. On other transcripts: non-coding transcript variant (1), intron variant (1).
Genome position (GRCh38, 1-based): chr11:17,501,962, C deleted on the plus strand (G on the coding strand, the reverse complement: USH1C is on the minus strand); the first of 2 consecutive C bases (chr11:17,501,962-17,501,963); deleting either gives the same sequence. VCF-style (leftmost placement, unchanged base first): chr11-17501961-TC-T. GRCh37 (hg19) VCF-style: chr11-17523508-TC-T.
Other names: c.1246del, p.Glu416fs (NM_001297764.2); c.1489del, p.Glu497fs (NM_001440679.1); c.1456del, p.Glu486fs (NM_001440680.1); c.1432del, p.Glu478fs (NM_001440681.1); c.1303del, p.Glu435fs (NM_001440682.1, NM_001440685.1, NM_005709.4); c.1354del, p.Glu452fs (NM_001440683.1); c.1336del, p.Glu446fs (NM_001440684.1); c.1279del, p.Glu427fs (NM_001440686.1); and 1 more; short protein forms E416fs, E427fs, E435fs, E446fs, E452fs, E478fs, E486fs, E497fs.
Identifiers: ClinVar variation 5013948 (VCV005013948.1).